The following is an entry in ClinVar:

NM_199420.4(POLQ):c.4232C>G (p.Thr1411Ser)

Gene: POLQ (DNA polymerase theta; minus strand). Cytogenetic location: 3q13.33.
Variant type: single nucleotide variant.
Coding change: c.4232C>G on transcript NM_199420.4 (MANE Select); coding-DNA position 4232, C replaced by G.
Protein change: p.Thr1411Ser; replaces threonine 1411 with serine.
Molecular consequence: missense variant.
Genome position (GRCh38, 1-based): chr3:121,488,699, G>C on the plus strand (C>G on the coding strand, the complement: POLQ is on the minus strand). VCF-style: chr3-121488699-G-C. GRCh37 (hg19) VCF-style: chr3-121207546-G-C.
Other names: short protein forms T1411S.
Identifiers: ClinVar variation 1738923 (VCV001738923.2), dbSNP rs569630942, ClinGen allele CA354095674.
Genomic context (GRCh38, chr3:121,488,699, plus strand): 5'-TTTAAAAAAAGACCATTTTCCTCCAATAGTATTGGAGAATGGAAAATCGGGCTTTCTGGA[G>C]TCAGGATATCAACCCCATGTGAATCACTGCTTTGTTTCATAGTACCTACAGTCTTAAGGT-3'
Protein context (NP_955452.3, residues 1401-1421): SSDSHGVDIL[Thr1411Ser]PESPIFHSPI

ClinVar aggregate classification (germline): Uncertain significance (1 of 4 stars; one submission).

Submission:

Ambry Genetics
Classification: Uncertain significance. Last evaluated: 2024-02-25. Review status: criteria provided, single submitter. Criteria: Ambry Variant Classification Scheme 2023. Collection method: clinical testing. Allele origin: germline.
Comment: The p.T1411S variant (also known as c.4232C>G), located in coding exon 16 of the POLQ gene, results from a C to G substitution at nucleotide position 4232. The threonine at codon 1411 is replaced by serine, an amino acid with similar properties. This amino acid position is conserved. In addition, this alteration is predicted to be tolerated by in silico analysis. Since supporting evidence is limited at this time, the clinical significance of this alteration remains unclear.